The following is an entry in ClinVar:

ClinVar aggregate classification (germline): Uncertain significance (1 of 4 stars; one submission).

Allele frequency attached by ClinVar (database versions not stated): ExAC 0.00001.
gnomAD v4.1: 13 of 1,612,194 alleles (0.00081%); highest among the groups gnomAD compares: Non-Finnish European, 0.00068%; no homozygotes.

Submission:

Labcorp Genetics (formerly Invitae), Labcorp
Classification: Uncertain significance. Last evaluated: 2024-10-24. Review status: criteria provided, single submitter. Criteria: Invitae Variant Classification Sherloc (09022015). Collection method: clinical testing. Allele origin: germline.
Comment: This sequence change falls in intron 7 of the ADAMTS18 gene. It does not directly change the encoded amino acid sequence of the ADAMTS18 protein. This variant is not present in population databases (gnomAD no frequency). This variant has not been reported in the literature in individuals affected with ADAMTS18-related conditions. ClinVar contains an entry for this variant (Variation ID: 1950259). Algorithms developed to predict the effect of sequence changes on RNA splicing suggest that this variant may disrupt the consensus splice site. In summary, the available evidence is currently insufficient to determine the role of this variant in disease. Therefore, it has been classified as a Variant of Uncertain Significance.

NM_199355.4(ADAMTS18):c.1217-4A>G

Gene: ADAMTS18 (ADAM metallopeptidase with thrombospondin type 1 motif 18; minus strand). Cytogenetic location: 16q23.1.
Variant type: single nucleotide variant.
Coding change: c.1217-4A>G on transcript NM_199355.4 (MANE Select); 4 bases into the intron before coding-DNA position 1217, A replaced by G.
Molecular consequence: intron variant.
Genome position (GRCh38, 1-based): chr16:77,359,427, T>C on the plus strand (A>G on the coding strand, the complement: ADAMTS18 is on the minus strand). VCF-style: chr16-77359427-T-C. GRCh37 (hg19) VCF-style: chr16-77393324-T-C.
Other names: c.701-4A>G (NM_001326358.2).
Identifiers: ClinVar variation 1950259 (VCV001950259.3), dbSNP rs575905738, ClinGen allele CA8181384.
Genomic context (GRCh38, chr16:77,359,427, plus strand): 5'-CCTCATTGATGGTACAACTTCGGTACTTAGAGCACATTCCACTGATGGGGGCAAACCCTA[T>C]TGAAAGAGCAGTTTCAAATGTGAATCCAAAGGTTGCACACACAGATACATGATGATGATT-3'